The following is an entry in ClinVar:

NM_001174147.2(LMX1B):c.332del (p.Phe111fs)

Gene: LMX1B (LIM homeobox transcription factor 1 beta; plus strand). Cytogenetic location: 9q33.3.
Variant type: Deletion.
Coding change: c.332del on transcript NM_001174147.2 (MANE Select); coding-DNA position 332, one base deleted (T; older notation c.332delT).
Protein change: p.Phe111fs; shifts the reading frame from phenylalanine 111.
Molecular consequence: frameshift variant.
Genome position (GRCh38, 1-based): chr9:126,690,841, T deleted; the last of 2 consecutive T bases (chr9:126,690,840-126,690,841); deleting either gives the same sequence. VCF-style (leftmost placement, unchanged base first): chr9-126690839-CT-C. GRCh37 (hg19) VCF-style: chr9-129453118-CT-C.
Other names: c.332del, p.Phe111fs (NM_001174146.2, NM_002316.4); short protein forms F111fs.
Identifiers: ClinVar variation 1076396 (VCV001076396.7), dbSNP rs2118986608, ClinGen allele CA2499219616.

ClinVar aggregate classification (germline): Pathogenic (1 of 4 stars; one submission).

Submission:

Labcorp Genetics (formerly Invitae), Labcorp
Classification: Pathogenic. Last evaluated: 2020-05-31. Review status: criteria provided, single submitter. Criteria: Invitae Variant Classification Sherloc (09022015). Collection method: clinical testing. Allele origin: germline.
Comment: This variant has not been reported in the literature in individuals with LMX1B-related conditions. Loss-of-function variants in LMX1B are known to be pathogenic (PMID: 9590287, 15498463). For these reasons, this variant has been classified as Pathogenic. This variant is not present in population databases (ExAC no frequency). This sequence change creates a premature translational stop signal (p.Phe111Serfs*18) in the LMX1B gene. It is expected to result in an absent or disrupted protein product.

Literature cited by the submitters: PubMed 9590287; PubMed 15498463.